The following is an entry in ClinVar:

ClinVar aggregate classification (germline): Uncertain significance. Review status: criteria provided, multiple submitters, no conflicts (2 of 4 stars). 2 submissions from 2 submitters: Uncertain significance (2). Last evaluated 2023-06-13.

Conditions:
LRP4-related disorder. Also called: LRP4-related condition.
Sclerosteosis 2 (SOST2). Identifiers: Orphanet 3152, MedGen C3280402, MONDO:0013679, OMIM 614305.
Cenani-Lenz syndactyly syndrome. Also called: CENANI SYNDACTYLISM; SYNDACTYLY, TYPE VII. Identifiers: Orphanet 3258, MedGen C1859309, MONDO:0008931, OMIM 212780.
Congenital myasthenic syndrome 17. Identifiers: Orphanet 590, MedGen C4225377, MONDO:0014578, OMIM 616304.

Allele frequency attached by ClinVar (database versions not stated): ExAC 0.00001; gnomAD exomes 0.00001.
gnomAD v4.1: 6 of 1,614,198 alleles (0.00037%); highest among the groups gnomAD compares: Admixed American, 0.005%; no homozygotes.

Submissions (2):

PreventionGenetics, part of Exact Sciences
Classification: Uncertain significance for LRP4-related condition. Last evaluated: 2023-06-13. Review status: criteria provided, single submitter. Criteria: ACMG Guidelines, 2015. Collection method: clinical testing. Allele origin: germline.
Comment: The LRP4 c.4544G>C variant is predicted to result in the amino acid substitution p.Gly1515Ala. To our knowledge, this variant has not been reported in the literature. This variant is reported in 0.0058% of alleles in individuals of Latino descent in gnomAD. At this time, the clinical significance of this variant is uncertain due to the absence of conclusive functional and genetic evidence.

Labcorp Genetics (formerly Invitae), Labcorp
Classification: Uncertain significance for Cenani-Lenz syndactyly syndrome; Sclerosteosis 2; Congenital myasthenic syndrome 17. Last evaluated: 2018-12-18. Review status: criteria provided, single submitter. Criteria: Invitae Variant Classification Sherloc (09022015). Collection method: clinical testing. Allele origin: germline.
Comment: In summary, the available evidence is currently insufficient to determine the role of this variant in disease. Therefore, it has been classified as a Variant of Uncertain Significance. Algorithms developed to predict the effect of missense changes on protein structure and function (SIFT, PolyPhen-2, Align-GVGD) all suggest that this variant is likely to be disruptive, but these predictions have not been confirmed by published functional studies and their clinical significance is uncertain. This variant has not been reported in the literature in individuals with LRP4-related conditions. This variant is present in population databases (rs758635404, ExAC 0.009%). This sequence change replaces glycine with alanine at codon 1515 of the LRP4 protein (p.Gly1515Ala). The glycine residue is highly conserved and there is a small physicochemical difference between glycine and alanine.

NM_002334.4(LRP4):c.4544G>C (p.Gly1515Ala)

Genes: LRP4 (LDL receptor related protein 4; minus strand), LRP4-AS1 (LRP4 antisense RNA 1; plus strand). Cytogenetic location: 11p11.2.
Variant type: single nucleotide variant.
Coding change: c.4544G>C on transcript NM_002334.4 (MANE Select); coding-DNA position 4544, G replaced by C.
Protein change: p.Gly1515Ala; replaces glycine 1515 with alanine.
Molecular consequence: missense variant. On other transcripts: non-coding transcript variant (1).
Genome position (GRCh38, 1-based): chr11:46,873,139, C>G on the plus strand (G>C on the coding strand, the complement: LRP4 is on the minus strand). VCF-style: chr11-46873139-C-G. GRCh37 (hg19) VCF-style: chr11-46894690-C-G.
Other names: short protein forms G1515A.
Identifiers: ClinVar variation 659855 (VCV000659855.9), dbSNP rs758635404, ClinGen allele CA5969303.